The following is an entry in ClinVar:

ClinVar aggregate classification (germline): Pathogenic. Review status: criteria provided, multiple submitters, no conflicts (2 of 4 stars). 5 submissions from 5 submitters: Pathogenic (4). 1 of the submissions does not count toward it. Last evaluated 2023-04-18.

Conditions:
RHO-related disorder. Also called: RHO-related condition.
Retinal dystrophy. Also called: Inherited retinal dystrophy. Identifiers: Orphanet 71862, MedGen C0854723, MeSH D058499, MONDO:0019118, HP:0000556.
Retinitis pigmentosa 4 (RP4). Also called: RETINITIS PIGMENTOSA, RHODOPSIN-RELATED. Identifiers: Orphanet 791, MedGen C3151001, MONDO:0013395, OMIM 613731.

Submissions (5):

Blueprint Genetics
Classification: Pathogenic for RHO-related disorders. Last evaluated: 2023-04-18. Review status: criteria provided, single submitter. Criteria: ACMG Guidelines, 2015. Collection method: clinical testing. Allele origin: germline. Affected: yes. Observed: 1 variant allele.

Labcorp Genetics (formerly Invitae), Labcorp
Classification: Pathogenic. Last evaluated: 2022-10-05. Review status: criteria provided, single submitter. Criteria: Invitae Variant Classification Sherloc (09022015). Collection method: clinical testing. Allele origin: germline.
Comment: This sequence change replaces alanine, which is neutral and non-polar, with glutamic acid, which is acidic and polar, at codon 164 of the RHO protein (p.Ala164Glu). This missense change has been observed in individuals with autosomal dominant retinitis pigmentosa (PMID: 8088850, 29847639). This variant is not present in population databases (gnomAD no frequency). This variant disrupts the p.Ala164 amino acid residue in RHO. Other variant(s) that disrupt this residue have been determined to be pathogenic (PMID: 7981701, 9380676, 11139241, 17488458). This suggests that this residue is clinically significant, and that variants that disrupt this residue are likely to be disease-causing. For these reasons, this variant has been classified as Pathogenic. Advanced modeling of protein sequence and biophysical properties (such as structural, functional, and spatial information, amino acid conservation, physicochemical variation, residue mobility, and thermodynamic stability) performed at Invitae indicates that this missense variant is expected to disrupt RHO protein function. ClinVar contains an entry for this variant (Variation ID: 13049).

Institute of Human Genetics, Univ. Regensburg, Univ. Regensburg
Classification: Pathogenic for Retinal dystrophy. Last evaluated: 2022-01-01. Review status: criteria provided, single submitter. Criteria: ACMG Guidelines, 2015. Collection method: clinical testing. Allele origin: germline. Affected: yes.

Clinical Genetics Service, Universitary Hospital 12 de Octubre
Classification: Pathogenic for Retinitis pigmentosa 4. Review status: criteria provided, single submitter. Criteria: ACMG Guidelines, 2015. Collection method: clinical testing. Allele origin: germline. Affected: yes.

OMIM
Classification: Pathogenic for RETINITIS PIGMENTOSA 4. Last evaluated: 1994-05-15. Review status: no assertion criteria provided. Collection method: literature only. Allele origin: germline. Not counted in ClinVar's aggregate classification.

Literature cited by the submitters: PubMed 8088850 (cited by 3 submitters); PubMed 29847639 (cited by Labcorp Genetics (formerly Invitae), Labcorp and Institute of Human Genetics, Univ. Regensburg, Univ. Regensburg); PubMed 7981701 (cited by Labcorp Genetics (formerly Invitae), Labcorp); PubMed 9380676 (cited by Labcorp Genetics (formerly Invitae), Labcorp); PubMed 11139241 (cited by Labcorp Genetics (formerly Invitae), Labcorp); PubMed 17488458 (cited by Labcorp Genetics (formerly Invitae), Labcorp); PubMed 21094163 (cited by Institute of Human Genetics, Univ. Regensburg, Univ. Regensburg); PubMed 30977563 (cited by Institute of Human Genetics, Univ. Regensburg, Univ. Regensburg); PubMed 32531858 (cited by Institute of Human Genetics, Univ. Regensburg, Univ. Regensburg).

NM_000539.3(RHO):c.491C>A (p.Ala164Glu)

Gene: RHO (rhodopsin; plus strand). Cytogenetic location: 3q22.1.
Variant type: single nucleotide variant.
Coding change: c.491C>A on transcript NM_000539.3 (MANE Select); coding-DNA position 491, C replaced by A.
Protein change: p.Ala164Glu; replaces alanine 164 with glutamic acid.
Molecular consequence: missense variant.
Genome position (GRCh38, 1-based): chr3:129,531,005, C>A. VCF-style: chr3-129531005-C-A. GRCh37 (hg19) VCF-style: chr3-129249848-C-A.
Other names: short protein forms A164E.
Identifiers: ClinVar variation 13049 (VCV000013049.12), dbSNP rs104893793, ClinGen allele CA256689.